The following is an entry in ClinVar:

ClinVar aggregate classification (germline): Uncertain significance (1 of 4 stars; one submission).

Conditions:
Cohen syndrome (COH1). Also called: PEPPER SYNDROME; Cutis verticis gyrata, retinitis pigmentosa, and sensorineural deafness. Identifiers: Orphanet 193, MedGen C0265223, MONDO:0008999, OMIM 216550.

gnomAD v4.1: 3 of 1,613,988 alleles (0.00019%); highest among the groups gnomAD compares: Non-Finnish European, 0.00025%; no homozygotes.

Submission:

Labcorp Genetics (formerly Invitae), Labcorp
Classification: Uncertain significance for Cohen syndrome. Last evaluated: 2023-09-22. Review status: criteria provided, single submitter. Criteria: Invitae Variant Classification Sherloc (09022015). Collection method: clinical testing. Allele origin: germline.
Comment: This sequence change affects codon 2335 of the VPS13B mRNA. It is a 'silent' change, meaning that it does not change the encoded amino acid sequence of the VPS13B protein. This variant is not present in population databases (gnomAD no frequency). This variant has not been reported in the literature in individuals affected with VPS13B-related conditions. Algorithms developed to predict the effect of sequence changes on RNA splicing suggest that this variant may create or strengthen a splice site. In summary, the available evidence is currently insufficient to determine the role of this variant in disease. Therefore, it has been classified as a Variant of Uncertain Significance.

NM_152564.5(VPS13B):c.6930G>T (p.Gly2310=)

Gene: VPS13B (vacuolar protein sorting 13 homolog B; plus strand). Cytogenetic location: 8q22.2.
Variant type: single nucleotide variant.
Coding change: c.6930G>T on transcript NM_152564.5 (MANE Select); coding-DNA position 6930, G replaced by T.
Protein change: p.Gly2310=; no amino-acid change (glycine 2310 retained).
Molecular consequence: synonymous variant.
Genome position (GRCh38, 1-based): chr8:99,720,927, G>T. VCF-style: chr8-99720927-G-T. GRCh37 (hg19) VCF-style: chr8-100733155-G-T.
Other names: c.7005G>T, p.Gly2335= (NM_017890.5).
Identifiers: ClinVar variation 2825683 (VCV002825683.3), dbSNP rs778096388, ClinGen allele CA462441678.